The following is an entry in ClinVar:

ClinVar aggregate classification (germline): Uncertain significance (1 of 4 stars; one submission).

Allele frequency attached by ClinVar (database versions not stated): gnomAD exomes below 0.00001; gnomAD 0.00001; TOPMed 0.00001.
gnomAD v4.1: 4 of 1,553,254 alleles (0.00026%); highest among the groups gnomAD compares: Admixed American, 0.0039%; no homozygotes.

Submission:

Labcorp Genetics (formerly Invitae), Labcorp
Classification: Uncertain significance. Last evaluated: 2025-01-16. Review status: criteria provided, single submitter. Criteria: Invitae Variant Classification Sherloc (09022015). Collection method: clinical testing. Allele origin: germline.
Comment: This sequence change replaces histidine, which is basic and polar, with arginine, which is basic and polar, at codon 59 of the C15orf41 protein (p.His59Arg). The frequency data for this variant in the population databases is considered unreliable, as metrics indicate poor data quality at this position in the gnomAD database. This variant has not been reported in the literature in individuals affected with C15orf41-related conditions. ClinVar contains an entry for this variant (Variation ID: 1972096). Invitae Evidence Modeling of protein sequence and biophysical properties (such as structural, functional, and spatial information, amino acid conservation, physicochemical variation, residue mobility, and thermodynamic stability) indicates that this missense variant is expected to disrupt C15orf41 protein function with a positive predictive value of 80%. In summary, the available evidence is currently insufficient to determine the role of this variant in disease. Therefore, it has been classified as a Variant of Uncertain Significance.

NM_001321759.2(CDIN1):c.176A>G (p.His59Arg)

Gene: CDIN1 (CDAN1 interacting nuclease 1; plus strand). Cytogenetic location: 15q14.
Variant type: single nucleotide variant.
Coding change: c.176A>G on transcript NM_001321759.2 (MANE Select); coding-DNA position 176, A replaced by G.
Protein change: p.His59Arg; replaces histidine 59 with arginine.
Molecular consequence: missense variant. On other transcripts: 5 prime UTR variant (4), intron variant (1).
Genome position (GRCh38, 1-based): chr15:36,645,251, A>G. VCF-style: chr15-36645251-A-G. GRCh37 (hg19) VCF-style: chr15-36937452-A-G.
Other names: c.176A>G, p.His59Arg (NM_001130010.3, NM_001290233.2, NM_001321760.2 and 1 more transcripts); c.-119A>G (NM_001290232.2, NM_001321756.2, NM_032499.6); c.-228A>G (NM_001321757.2); c.102-8847A>G (NM_001321758.2); short protein forms H59R.
Identifiers: ClinVar variation 1972096 (VCV001972096.5), dbSNP rs1355334751, ClinGen allele CA391924407.